The following is an entry in ClinVar:

NM_024577.4(SH3TC2):c.1240G>A (p.Val414Met)

Gene: SH3TC2 (SH3 domain and tetratricopeptide repeats 2; minus strand). Cytogenetic location: 5q32.
Variant type: single nucleotide variant.
Coding change: c.1240G>A on transcript NM_024577.4 (MANE Select); coding-DNA position 1240, G replaced by A.
Protein change: p.Val414Met; replaces valine 414 with methionine.
Molecular consequence: missense variant.
Genome position (GRCh38, 1-based): chr5:149,028,492, C>T on the plus strand (G>A on the coding strand, the complement: SH3TC2 is on the minus strand). VCF-style: chr5-149028492-C-T. GRCh37 (hg19) VCF-style: chr5-148408055-C-T.
Other names: short protein forms V414M.
Identifiers: ClinVar variation 578933 (VCV000578933.58), dbSNP rs138303846, ClinGen allele CA3499220.

ClinVar aggregate classification (germline): Conflicting classifications of pathogenicity. Review status: criteria provided, conflicting classifications (1 of 4 stars). 7 submissions from 7 submitters: Uncertain significance (5); Likely benign (2). Last evaluated 2026-04-14.

Conditions:
SH3TC2-related disorder. Also called: SH3TC2-related disorders; SH3TC2-related condition. Identifiers: MedGen CN239303.
Inborn genetic diseases. Identifiers: MedGen C0950123, MeSH D030342.
Charcot-Marie-Tooth disease type 4. Also called: Charcot-Marie-Tooth disease, type IV; Charcot-Marie-Tooth, Type 4. Identifiers: Orphanet 64749, MedGen C4082197, MONDO:0018995.

Allele frequency attached by ClinVar (database versions not stated): TOPMed 0.00014; ESP Exome Variant Server 0.00015; 1000 Genomes Project 30x 0.00016; 1000 Genomes Project 0.00020; gnomAD 0.00022.
gnomAD v4.1: 354 of 1,613,234 alleles (0.022%); highest among the groups gnomAD compares: South Asian, 0.038%; 1 homozygote.

Submissions (7):

Women's Health and Genetics/Laboratory Corporation of America, LabCorp
Classification: Uncertain significance. Last evaluated: 2026-04-14. Review status: criteria provided, single submitter. Criteria: LabCorp Variant Classification Summary - May 2015. Collection method: clinical testing. Allele origin: germline.
Comment: Variant summary: SH3TC2 c.1240G>A (p.Val414Met) results in a conservative amino acid change in the encoded protein sequence. Algorithms developed to predict the effect of missense changes on protein structure and function all suggest that this variant is likely to be tolerated. The variant allele was found at a frequency of 0.00022 in 249020 control chromosomes. This frequency is not significantly higher than estimated for disease-causing variants in SH3TC2, allowing no conclusion about variant significance. To our knowledge, no occurrence of c.1240G>A in individuals affected with SH3TC2-related conditions and no experimental evidence demonstrating its impact on protein function have been reported. ClinVar contains an entry for this variant (Variation ID: 578933). Based on the evidence outlined above, the variant was classified as uncertain significance.

PreventionGenetics, part of Exact Sciences
Classification: Likely benign for SH3TC2-related condition. Last evaluated: 2026-01-22. Review status: criteria provided, single submitter. Criteria: ACMG Guidelines, 2015. Collection method: clinical testing. Allele origin: germline.
Comment: This variant is classified as likely benign based on ACMG/AMP sequence variant interpretation guidelines (Richards et al. 2015 PMID: 25741868, with internal and published modifications).

Labcorp Genetics (formerly Invitae), Labcorp
Classification: Likely benign for Charcot-Marie-Tooth disease type 4. Last evaluated: 2025-11-24. Review status: criteria provided, single submitter. Criteria: Invitae Variant Classification Sherloc (09022015). Collection method: clinical testing. Allele origin: germline.

ARUP Laboratories, Molecular Genetics and Genomics, ARUP Laboratories
Classification: Uncertain significance. Last evaluated: 2024-07-25. Review status: criteria provided, single submitter. Criteria: ARUP Molecular Germline Variant Investigation Process 2024. Collection method: clinical testing. Allele origin: germline.
Comment: The SH3TC2 c.1240G>A; p.Val414Met variant (rs138303846), to our knowledge, Is not reported in the medical literature but is reported in ClinVar (Variation ID: 578933). This variant is observed in the general population with an overall allele frequency of 0.02% (61/280398 alleles) in the Genome Aggregation Database (v2.1.1). Computational analyses are uncertain whether this variant is neutral or deleterious (REVEL: 0.156). Due to limited information, the clinical significance of this variant is uncertain at this time.

Ambry Genetics
Classification: Uncertain significance for Inborn genetic diseases. Last evaluated: 2022-05-26. Review status: criteria provided, single submitter. Criteria: Ambry Variant Classification Scheme 2023. Collection method: clinical testing. Allele origin: germline.
Comment: The p.V414M variant (also known as c.1240G>A), located in coding exon 11 of the SH3TC2 gene, results from a G to A substitution at nucleotide position 1240. The valine at codon 414 is replaced by methionine, an amino acid with highly similar properties. This amino acid position is not well conserved in available vertebrate species, and methionine is the reference amino acid in other vertebrate species. In addition, this alteration is predicted to be tolerated by in silico analysis. Since supporting evidence is limited at this time, the clinical significance of this alteration remains unclear.

GeneDx
Classification: Uncertain significance. Last evaluated: 2021-11-02. Review status: criteria provided, single submitter. Criteria: GeneDx Variant Classification Process June 2021. Collection method: clinical testing. Allele origin: germline. Affected: yes.
Comment: In silico analysis supports that this missense variant does not alter protein structure/function; Has not been previously published as pathogenic or benign to our knowledge

CeGaT Center for Human Genetics Tuebingen
Classification: Uncertain significance. Last evaluated: 2019-12-01. Review status: criteria provided, single submitter. Criteria: CeGaT Center For Human Genetics Tuebingen Variant Classification Criteria Version 2. Collection method: clinical testing. Allele origin: germline. Affected: yes. Observed: 1 variant allele.